The following is an entry in ClinVar:

NM_000124.4(ERCC6):c.4232A>G (p.His1411Arg)

Gene: ERCC6 (ERCC excision repair 6, chromatin remodeling factor; minus strand). Cytogenetic location: 10q11.23.
Variant type: single nucleotide variant.
Coding change: c.4232A>G on transcript NM_000124.4 (MANE Select); coding-DNA position 4232, A replaced by G.
Protein change: p.His1411Arg; replaces histidine 1411 with arginine.
Molecular consequence: missense variant.
Genome position (GRCh38, 1-based): chr10:49,459,065, T>C on the plus strand (A>G on the coding strand, the complement: ERCC6 is on the minus strand). VCF-style: chr10-49459065-T-C. GRCh37 (hg19) VCF-style: chr10-50667111-T-C.
Other names: c.4232A>G, p.His1411Arg (NM_001346440.2); short protein forms H1411R.
Identifiers: ClinVar variation 2147937 (VCV002147937.1), dbSNP rs1401528384, ClinGen allele CA376703761.
Genomic context (GRCh38, chr10:49,459,065, plus strand): 5'-ATCTCCACCAGAAGGTCATCGTGTTCTGTGGTGGGCAGCAGGGCAGAAGCTTCCTGCAGG[T>C]GCCCGCTTTCACTTTCTAAACGCTCTGGCAGAATCAGGTGGTTTCTAGCTCTCATTTTAG-3'
Protein context (NP_000115.1, residues 1401-1421): LPERLESESG[His1411Arg]LQEASALLPT

ClinVar aggregate classification (germline): Uncertain significance (1 of 4 stars; one submission).

Allele frequency attached by ClinVar (database versions not stated): gnomAD exomes 0.00002.
gnomAD v4.1: 27 of 1,614,164 alleles (0.0017%); highest among the groups gnomAD compares: Non-Finnish European, 0.0023%; no homozygotes.

Submission:

Labcorp Genetics (formerly Invitae), Labcorp
Classification: Uncertain significance. Last evaluated: 2022-03-13. Review status: criteria provided, single submitter. Criteria: Invitae Variant Classification Sherloc (09022015). Collection method: clinical testing. Allele origin: germline.
Comment: This sequence change replaces histidine, which is basic and polar, with arginine, which is basic and polar, at codon 1411 of the ERCC6 protein (p.His1411Arg). This variant is present in population databases (no rsID available, gnomAD 0.002%). This variant has not been reported in the literature in individuals affected with ERCC6-related conditions. Algorithms developed to predict the effect of missense changes on protein structure and function output the following: SIFT: "Tolerated"; PolyPhen-2: "Benign"; Align-GVGD: "Class C0". The arginine amino acid residue is found in multiple mammalian species, which suggests that this missense change does not adversely affect protein function. In summary, the available evidence is currently insufficient to determine the role of this variant in disease. Therefore, it has been classified as a Variant of Uncertain Significance.